The following is an entry in ClinVar:

ClinVar aggregate classification (germline): Uncertain significance. Review status: criteria provided, multiple submitters, no conflicts (2 of 4 stars). 2 submissions from 2 submitters: Uncertain significance (2). Last evaluated 2020-12-04.

Conditions:
Loeys-Dietz syndrome 4 (LDS4). Also called: TGFB2-Related Loeys-Dietz Syndrome; ANEURYSM, AORTIC AND CEREBRAL, WITH ARTERIAL TORTUOSITY AND SKELETAL MANIFESTATIONS. Identifiers: MedGen C3553762, MONDO:0013897, OMIM 614816.

Submissions (2):

Revvity Omics, Revvity
Classification: Uncertain significance for Loeys-Dietz syndrome 4. Last evaluated: 2020-12-04. Review status: criteria provided, single submitter. Criteria: ACMG Guidelines, 2015. Collection method: clinical testing. Allele origin: germline.

GeneDx
Classification: Uncertain significance. Last evaluated: 2018-08-02. Review status: criteria provided, single submitter. Criteria: GeneDx Variant Classification (06012015). Collection method: clinical testing. Allele origin: germline. Affected: yes.
Comment: The R34H variant in the TGFB2 gene has not been reported previously as a pathogenic variant, nor as a benign variant, to our knowledge. The R34H variant is not observed in large population cohorts (Lek et al., 2016; 1000 Genomes Consortium et al., 2015; Exome Variant Server). This substitution occurs at a position where amino acids with similar properties to Arginine are tolerated across species. In silico analysis predicts this variant is probably damaging to the protein structure/function. However, the R34H variant is a conservative amino acid substitution, which is not likely to impact secondary protein structure as these residues share similar properties. Therefore, we interpret R34H as a variant of uncertain significance.

NM_003238.6(TGFB2):c.101G>A (p.Arg34His)

Gene: TGFB2 (transforming growth factor beta 2; plus strand). Cytogenetic location: 1q41.
Variant type: single nucleotide variant.
Coding change: c.101G>A on transcript NM_003238.6 (MANE Select); coding-DNA position 101, G replaced by A.
Protein change: p.Arg34His; replaces arginine 34 with histidine.
Molecular consequence: missense variant. On other transcripts: non-coding transcript variant (2).
Genome position (GRCh38, 1-based): chr1:218,346,802, G>A. VCF-style: chr1-218346802-G-A. GRCh37 (hg19) VCF-style: chr1-218520144-G-A.
Other names: c.101G>A, p.Arg34His (NM_001135599.4); short protein forms R34H.
Identifiers: ClinVar variation 423492 (VCV000423492.5), dbSNP rs1064796462, ClinGen allele CA16617062.